The following is an entry in ClinVar:

ClinVar aggregate classification (germline): Uncertain significance (1 of 4 stars; one submission).

Conditions:
Hypertrophic cardiomyopathy 1 (CMH1). Also called: Familial hypertrophic cardiomyopathy 1; MYH7-Related Familial Hypertrophic Cardiomyopathy. Identifiers: MedGen C3495498, MONDO:0008647, OMIM 192600.

Allele frequency attached by ClinVar (database versions not stated): gnomAD exomes below 0.00001 and 0.00001; ExAC 0.00001; gnomAD 0.00001; TOPMed 0.00004.
gnomAD v4.1: 8 of 1,613,732 alleles (0.0005%); highest among the groups gnomAD compares: Admixed American, 0.005%; no homozygotes.

Submission:

Labcorp Genetics (formerly Invitae), Labcorp
Classification: Uncertain significance for Hypertrophic cardiomyopathy 1. Last evaluated: 2017-10-10. Review status: criteria provided, single submitter. Criteria: Invitae Variant Classification Sherloc (09022015). Collection method: clinical testing. Allele origin: germline.
Comment: This sequence change replaces glycine with aspartic acid at codon 23 of the MYLK2 protein (p.Gly23Asp). The glycine residue is moderately conserved and there is a moderate physicochemical difference between glycine and aspartic acid. This variant is present in population databases (rs776262276, ExAC 0.009%). This variant has not been reported in the literature in individuals with MYLK2-related disease. Algorithms developed to predict the effect of missense changes on protein structure and function (SIFT, PolyPhen-2, Align-GVGD) all suggest that this variant is likely to be tolerated, but these predictions have not been confirmed by published functional studies and their clinical significance is uncertain. In summary, the available evidence is currently insufficient to determine the role of this variant in disease. Therefore, it has been classified as a Variant of Uncertain Significance.

NM_033118.4(MYLK2):c.68G>A (p.Gly23Asp)

Gene: MYLK2 (myosin light chain kinase 2; plus strand). Cytogenetic location: 20q11.21.
Variant type: single nucleotide variant.
Coding change: c.68G>A on transcript NM_033118.4 (MANE Select); coding-DNA position 68, G replaced by A.
Protein change: p.Gly23Asp; replaces glycine 23 with aspartic acid.
Molecular consequence: missense variant.
Genome position (GRCh38, 1-based): chr20:31,820,141, G>A. VCF-style: chr20-31820141-G-A. GRCh37 (hg19) VCF-style: chr20-30407944-G-A.
Other names: short protein forms G23D.
Identifiers: ClinVar variation 540257 (VCV000540257.8), dbSNP rs776262276, ClinGen allele CA9802834.